The following is an entry in ClinVar:

NM_015102.5(NPHP4):c.1956-29A>T

Gene: NPHP4 (nephrocystin 4; minus strand). Cytogenetic location: 1p36.31.
Variant type: single nucleotide variant.
Coding change: c.1956-29A>T on transcript NM_015102.5 (MANE Select); 29 bases into the intron before coding-DNA position 1956, A replaced by T.
Molecular consequence: intron variant.
Genome position (GRCh38, 1-based): chr1:5,904,833, T>A on the plus strand (A>T on the coding strand, the complement: NPHP4 is on the minus strand). VCF-style: chr1-5904833-T-A. GRCh37 (hg19) VCF-style: chr1-5964893-T-A.
Other names: p.?; c.420-29A>T (NM_001291594.2); c.417-29A>T (NM_001291593.2).
Identifiers: ClinVar variation 4684144 (VCV004684144.1).

ClinVar aggregate classification (germline): Likely benign (1 of 4 stars; one submission).

gnomAD v4.1: 37 of 1,606,678 alleles (0.0023%); highest among the groups gnomAD compares: Non-Finnish European, 0.0031%; no homozygotes.

Submission:

Mayo Clinic Laboratories, Mayo Clinic
Classification: Likely benign. Last evaluated: 2025-08-08. Review status: criteria provided, single submitter. Criteria: ACMG Guidelines, 2015. Collection method: clinical testing. Allele origin: germline. Observed: 1 variant allele.
Comment: BP4, BP7